The following is an entry in ClinVar:

ClinVar aggregate classification (germline): Uncertain significance (1 of 4 stars; one submission).

Conditions:
Hereditary cancer-predisposing syndrome. Also called: Neoplastic Syndromes, Hereditary; Tumor predisposition; Hereditary neoplastic syndrome; Hereditary Cancer Syndrome. Identifiers: Orphanet 140162, MedGen C0027672, MeSH D009386, MONDO:0015356.

Submission:

Ambry Genetics
Classification: Uncertain significance for Hereditary cancer-predisposing syndrome. Last evaluated: 2023-02-27. Review status: criteria provided, single submitter. Criteria: Ambry Variant Classification Scheme 2023. Collection method: clinical testing. Allele origin: germline.
Comment: The p.R703S variant (also known as c.2109G>C), located in coding exon 7 of the AXIN2 gene, results from a G to C substitution at nucleotide position 2109. The arginine at codon 703 is replaced by serine, an amino acid with dissimilar properties. This amino acid position is conserved. In addition, this alteration is predicted to be deleterious by in silico analysis. Since supporting evidence is limited at this time, the clinical significance of this alteration remains unclear.

NM_004655.4(AXIN2):c.2109G>C (p.Arg703Ser)

Gene: AXIN2 (axin 2; minus strand). Cytogenetic location: 17q24.1.
Variant type: single nucleotide variant.
Coding change: c.2109G>C on transcript NM_004655.4 (MANE Select); coding-DNA position 2109, G replaced by C.
Protein change: p.Arg703Ser; replaces arginine 703 with serine.
Molecular consequence: missense variant.
Genome position (GRCh38, 1-based): chr17:65,536,352, C>G on the plus strand (G>C on the coding strand, the complement: AXIN2 is on the minus strand). VCF-style: chr17-65536352-C-G. GRCh37 (hg19) VCF-style: chr17-63532470-C-G.
Other names: c.1914G>C, p.Arg638Ser (NM_001363813.1); short protein forms R703S, R638S.
Identifiers: ClinVar variation 2451670 (VCV002451670.2), dbSNP rs116525755, ClinGen allele CA400675970.